The following is an entry in ClinVar:

ClinVar aggregate classification (germline): Conflicting classifications of pathogenicity. Review status: criteria provided, conflicting classifications (1 of 4 stars). 3 submissions from 3 submitters: Pathogenic (1); Likely pathogenic (1); Uncertain significance (1). Last evaluated 2025-03-05.

Conditions:
Cardiovascular phenotype. Identifiers: MedGen CN230736.
Hypertrophic cardiomyopathy. Also called: HYPERTROPHIC MYOCARDIOPATHY. Identifiers: Orphanet 217569, MedGen C0007194, MeSH D002312, MONDO:0005045, HP:0001639.

Submissions (3):

Labcorp Genetics (formerly Invitae), Labcorp
Classification: Likely pathogenic for Hypertrophic cardiomyopathy. Last evaluated: 2025-03-05. Review status: criteria provided, single submitter. Criteria: Invitae Variant Classification Sherloc (09022015). Collection method: clinical testing. Allele origin: germline.
Comment: This sequence change affects a donor splice site in intron 4 of the MYBPC3 gene. It is expected to disrupt RNA splicing. Variants that disrupt the donor or acceptor splice site typically lead to a loss of protein function (PMID: 16199547), and loss-of-function variants in MYBPC3 are known to be pathogenic (PMID: 19574547). This variant is not present in population databases (gnomAD no frequency). Disruption of this splice site has been observed in individual(s) with hypertrophic cardiomyopathy and/or sudden cardiac death (PMID: 32841044, 34076677, 35626289; internal data). ClinVar contains an entry for this variant (Variation ID: 181041). Algorithms developed to predict the effect of sequence changes on RNA splicing suggest that this variant may disrupt the consensus splice site. In summary, the currently available evidence indicates that the variant is pathogenic, but additional data are needed to prove that conclusively. Therefore, this variant has been classified as Likely Pathogenic.

Ambry Genetics
Classification: Uncertain significance for Cardiovascular phenotype. Last evaluated: 2023-06-12. Review status: criteria provided, single submitter. Criteria: Ambry Variant Classification Scheme 2023. Collection method: clinical testing. Allele origin: germline.
Comment: The c.505+1G>A intronic variant results from a G to A substitution one nucleotide after coding exon 4 of the MYBPC3 gene. This alteration has been detected in hypertrophic cardiomyopathy (HCM) cohorts and in a sudden unexplained death cohort; however, clinical details were limited (Helms AS et al. Circ Genom Precis Med, 2020 10;13:396-405; Guo L et al. JAMA Cardiol. 2021 Sep;6(9):1013-1022; Sepp R et al. Diagnostics (Basel). 2022 May;12(5)). Alterations that disrupt the canonical splice site are expected to result in aberrant splicing. In silico splice site analysis predicts that this alteration will weaken the native splice donor site and will result in the creation or strengthening of a novel splice donor site. The resulting transcript is predicted to be in-frame and is not expected to trigger nonsense-mediated mRNAdecay; however, direct evidence is unavailable. The exact functional effect of the altered amino acid sequence is unknown. This nucleotide position is highly conserved in available vertebrate species. Since supporting evidence is limited at this time, the clinical significance of this alteration remains unclear.

GeneDx
Classification: Pathogenic. Last evaluated: 2014-05-13. Review status: criteria provided, single submitter. Criteria: GeneDx Variant Classification (06012015). Collection method: clinical testing. Allele origin: germline. Affected: yes.
Comment: Although the c.505+1 G>A mutation has not been reported as a disease - causing mutation or as a benign polymorphism to our knowledge, this mutation destroys the canonical splice donor site in intron 4 of the MYBPC3 gene and is predicted to cause abnormal gene splicing. The mutation is expected to lead to either an abnormal message that is subject to nonsense - mediated mRNA decay, or to an abnormal protein product if the message is used for protein translation. Other splice site mutations in the MYBPC3 gene have been reported in association with HCM. The variant is found in HCM panel(s).

Literature cited by the submitters: PubMed 16199547 (cited by Labcorp Genetics (formerly Invitae), Labcorp); PubMed 19574547 (cited by Labcorp Genetics (formerly Invitae), Labcorp); PubMed 32841044 (cited by Labcorp Genetics (formerly Invitae), Labcorp and Ambry Genetics); PubMed 34076677 (cited by Labcorp Genetics (formerly Invitae), Labcorp and Ambry Genetics); PubMed 35626289 (cited by Labcorp Genetics (formerly Invitae), Labcorp and Ambry Genetics).

NM_000256.3(MYBPC3):c.505+1G>A

Gene: MYBPC3 (myosin binding protein C3; minus strand). Cytogenetic location: 11p11.2.
Variant type: single nucleotide variant.
Coding change: c.505+1G>A on transcript NM_000256.3 (MANE Select); the canonical splice donor site of the intron after coding-DNA position 505, G replaced by A.
Molecular consequence: splice donor variant.
Genome position (GRCh38, 1-based): chr11:47,350,013, C>T on the plus strand (G>A on the coding strand, the complement: MYBPC3 is on the minus strand). VCF-style: chr11-47350013-C-T. GRCh37 (hg19) VCF-style: chr11-47371564-C-T.
Identifiers: ClinVar variation 181041 (VCV000181041.11), dbSNP rs730880620, ClinGen allele CA015280.
Genomic context (GRCh38, chr11:47,350,013, plus strand): 5'-GGGGAGTGTCCTGCTGCCCCCCCTTCCCACCCCAATGCTGGGCACAGCAGCTCACACTCA[C>T]CCACGGTCACCTCGCCATCCTGTGGCCGCATCACGAAGAGGCCAATGGGGTCATCGGGGG-3'